The following is an entry in ClinVar:

NM_016274.6(PLEKHO1):c.849T>A (p.Ser283=)

Gene: PLEKHO1 (pleckstrin homology domain containing O1; plus strand). Cytogenetic location: 1q21.2.
Variant type: single nucleotide variant.
Coding change: c.849T>A on transcript NM_016274.6 (MANE Select); coding-DNA position 849, T replaced by A.
Protein change: p.Ser283=; no amino-acid change (serine 283 retained).
Molecular consequence: synonymous variant.
Genome position (GRCh38, 1-based): chr1:150,159,142, T>A. VCF-style: chr1-150159142-T-A. GRCh37 (hg19) VCF-style: chr1-150131337-T-A.
Other names: c.333T>A, p.Ser111= (NM_001304722.2, NM_001304723.2); c.300T>A, p.Ser100= (NM_001304724.2).
Identifiers: ClinVar variation 2639156 (VCV002639156.24), dbSNP rs2526566004, ClinGen allele CA420894067.
Genomic context (GRCh38, chr1:150,159,142, plus strand): 5'-CACAGAGAAAGGCCGCTGCGCCTCCCTGGAGGAGATCCTATCTCAGCGGGATGCTGCCTC[T>A]GCCCGCACCCTCCAGCTGCGGGCTGAGGAACCCCCAACCCCTGCCCTCCCCAACCCGGGG-3'
Protein context (NP_057358.2, residues 273-293): EEILSQRDAA[Ser283=]ARTLQLRAEE

ClinVar aggregate classification (germline): Likely benign (1 of 4 stars; one submission).

Submission:

CeGaT Center for Human Genetics Tuebingen
Classification: Likely benign. Last evaluated: 2023-10-01. Review status: criteria provided, single submitter. Criteria: CeGaT Center For Human Genetics Tuebingen Variant Classification Criteria Version 2. Collection method: clinical testing. Allele origin: germline. Affected: yes. Observed: 1 variant allele.
Comment: PLEKHO1: PM2:Supporting, BP4, BP7